The following is an entry in ClinVar:

NM_001277115.2(DNAH11):c.9896G>C (p.Trp3299Ser)

Gene: DNAH11 (dynein axonemal heavy chain 11; plus strand). Cytogenetic location: 7p15.3.
Variant type: single nucleotide variant.
Coding change: c.9896G>C on transcript NM_001277115.2 (MANE Select); coding-DNA position 9896, G replaced by C.
Protein change: p.Trp3299Ser; replaces tryptophan 3299 with serine.
Molecular consequence: missense variant.
Genome position (GRCh38, 1-based): chr7:21,787,555, G>C. VCF-style: chr7-21787555-G-C. GRCh37 (hg19) VCF-style: chr7-21827173-G-C.
Other names: short protein forms W3299S.
Identifiers: ClinVar variation 1426708 (VCV001426708.6), dbSNP rs758224118, ClinGen allele CA4182143.

ClinVar aggregate classification (germline): Pathogenic (1 of 4 stars; one submission).

Conditions:
Primary ciliary dyskinesia. Also called: Ciliary dyskinesia. Identifiers: Orphanet 244, MedGen C0008780, MONDO:0016575, HP:0012265.

Allele frequency attached by ClinVar (database versions not stated): gnomAD exomes below 0.00001; ExAC 0.00001.

Submission:

Labcorp Genetics (formerly Invitae), Labcorp
Classification: Pathogenic for Primary ciliary dyskinesia. Last evaluated: 2022-10-04. Review status: criteria provided, single submitter. Criteria: Invitae Variant Classification Sherloc (09022015). Collection method: clinical testing. Allele origin: germline.
Comment: For these reasons, this variant has been classified as Pathogenic. Algorithms developed to predict the effect of missense changes on protein structure and function (SIFT, PolyPhen-2, Align-GVGD) all suggest that this variant is likely to be disruptive. ClinVar contains an entry for this variant (Variation ID: 1426708). This missense change has been observed in individual(s) with clinical features of primary ciliary dyskinesia (Invitae). In at least one individual the data is consistent with being in trans (on the opposite chromosome) from a pathogenic variant. This variant is present in population databases (rs758224118, gnomAD 0.0009%). This sequence change replaces tryptophan, which is neutral and slightly polar, with serine, which is neutral and polar, at codon 3299 of the DNAH11 protein (p.Trp3299Ser).